The following is an entry in ClinVar:

NM_000161.3(GCH1):c.188A>G (p.Asp63Gly)

Gene: GCH1 (GTP cyclohydrolase 1; minus strand). Cytogenetic location: 14q22.2.
Variant type: single nucleotide variant.
Coding change: c.188A>G on transcript NM_000161.3 (MANE Select); coding-DNA position 188, A replaced by G.
Protein change: p.Asp63Gly; replaces aspartic acid 63 with glycine.
Molecular consequence: missense variant.
Genome position (GRCh38, 1-based): chr14:54,902,476, T>C on the plus strand (A>G on the coding strand, the complement: GCH1 is on the minus strand). VCF-style: chr14-54902476-T-C. GRCh37 (hg19) VCF-style: chr14-55369194-T-C.
Other names: c.188A>G, p.Asp63Gly (NM_001024024.2, NM_001024070.2, NM_001024071.2 and 1 more transcripts); short protein forms D63G.
Identifiers: ClinVar variation 4086285 (VCV004086285.1).

ClinVar aggregate classification (germline): Uncertain significance (1 of 4 stars; one submission).

Submission:

GeneDx
Classification: Uncertain significance. Last evaluated: 2025-03-20. Review status: criteria provided, single submitter. Criteria: GeneDx Variant Classification Process June 2021. Collection method: clinical testing. Allele origin: germline. Affected: yes.
Comment: Not observed at significant frequency in large population cohorts (gnomAD); In silico analysis indicates that this missense variant does not alter protein structure/function; Has not been previously published as pathogenic or benign to our knowledge